The following is an entry in ClinVar:

NM_001366178.1(ARHGAP33):c.783C>T (p.Pro261=)

Gene: ARHGAP33 (Rho GTPase activating protein 33; plus strand). Cytogenetic location: 19q13.12.
Variant type: single nucleotide variant.
Coding change: c.783C>T on transcript NM_001366178.1 (MANE Select); coding-DNA position 783, C replaced by T.
Protein change: p.Pro261=; no amino-acid change (proline 261 retained).
Molecular consequence: synonymous variant.
Genome position (GRCh38, 1-based): chr19:35,780,770, C>T. VCF-style: chr19-35780770-C-T. GRCh37 (hg19) VCF-style: chr19-36271672-C-T.
Other names: c.375C>T, p.Pro125= (NM_001172630.2); c.783C>T, p.Pro261= (NM_052948.4).
Identifiers: ClinVar variation 2649756 (VCV002649756.24), dbSNP rs760129805, ClinGen allele CA9388298.

ClinVar aggregate classification (germline): Likely benign (1 of 4 stars; one submission).

Allele frequency attached by ClinVar (database versions not stated): gnomAD exomes 0.00001; ExAC 0.00003.
gnomAD v4.1: 17 of 1,613,902 alleles (0.0011%); highest among the groups gnomAD compares: South Asian, 0.019%; no homozygotes.

Submission:

CeGaT Center for Human Genetics Tuebingen
Classification: Likely benign. Last evaluated: 2022-09-01. Review status: criteria provided, single submitter. Criteria: CeGaT Center For Human Genetics Tuebingen Variant Classification Criteria Version 2. Collection method: clinical testing. Allele origin: germline. Affected: yes. Observed: 1 variant allele.
Comment: ARHGAP33: BP4, BP7